The following is an entry in ClinVar:

ClinVar aggregate classification (germline): Uncertain significance. Review status: criteria provided, multiple submitters, no conflicts (2 of 4 stars). 2 submissions from 2 submitters: Uncertain significance (2). Last evaluated 2025-04-25.

Allele frequency attached by ClinVar (database versions not stated): gnomAD 0.00001; TOPMed 0.00001; ExAC 0.00002.
gnomAD v4.1: 13 of 1,584,532 alleles (0.00082%); highest among the groups gnomAD compares: East Asian, 0.0068%; no homozygotes.

Submissions (2):

Ambry Genetics
Classification: Uncertain significance. Last evaluated: 2025-04-25. Review status: criteria provided, single submitter. Criteria: Ambry Variant Classification Scheme 2023. Collection method: clinical testing. Allele origin: germline.

Labcorp Genetics (formerly Invitae), Labcorp
Classification: Uncertain significance. Last evaluated: 2024-12-12. Review status: criteria provided, single submitter. Criteria: Invitae Variant Classification Sherloc (09022015). Collection method: clinical testing. Allele origin: germline.
Comment: This sequence change replaces cysteine, which is neutral and slightly polar, with phenylalanine, which is neutral and non-polar, at codon 473 of the AK7 protein (p.Cys473Phe). This variant is present in population databases (rs779076001, gnomAD 0.01%). This variant has not been reported in the literature in individuals affected with AK7-related conditions. ClinVar contains an entry for this variant (Variation ID: 2459554). Invitae Evidence Modeling of protein sequence and biophysical properties (such as structural, functional, and spatial information, amino acid conservation, physicochemical variation, residue mobility, and thermodynamic stability) indicates that this missense variant is expected to disrupt AK7 protein function with a positive predictive value of 80%. In summary, the available evidence is currently insufficient to determine the role of this variant in disease. Therefore, it has been classified as a Variant of Uncertain Significance.

NM_152327.5(AK7):c.1418G>T (p.Cys473Phe)

Gene: AK7 (adenylate kinase 7; plus strand). Cytogenetic location: 14q32.2.
Variant type: single nucleotide variant.
Coding change: c.1418G>T on transcript NM_152327.5 (MANE Select); coding-DNA position 1418, G replaced by T.
Protein change: p.Cys473Phe; replaces cysteine 473 with phenylalanine.
Molecular consequence: missense variant. On other transcripts: intron variant (1).
Genome position (GRCh38, 1-based): chr14:96,471,538, G>T. VCF-style: chr14-96471538-G-T. GRCh37 (hg19) VCF-style: chr14-96937875-G-T.
Other names: c.1418G>T, p.Cys473Phe (NM_001350888.2, NM_001350890.2); c.1340G>T, p.Cys447Phe (NM_001350891.2); c.1358-6927G>T (NM_001350892.2); short protein forms C447F, C473F.
Identifiers: ClinVar variation 2459554 (VCV002459554.5), dbSNP rs779076001, ClinGen allele CA7337841.